The following is an entry in ClinVar:

ClinVar aggregate classification (germline): Pathogenic. Review status: criteria provided, multiple submitters, no conflicts (2 of 4 stars). 2 submissions from 2 submitters: Pathogenic (2). Last evaluated 2022-03-15.

Conditions:
Hereditary spherocytosis type 1. Also called: Spherocytosis type 1; ANK1-Related Spherocytosis. Identifiers: Orphanet 822, MedGen C2674218, MONDO:0008447, OMIM 182900.

Submissions (2):

Labcorp Genetics (formerly Invitae), Labcorp
Classification: Pathogenic. Last evaluated: 2022-03-15. Review status: criteria provided, single submitter. Criteria: Invitae Variant Classification Sherloc (09022015). Collection method: clinical testing. Allele origin: germline.
Comment: For these reasons, this variant has been classified as Pathogenic. This variant has not been reported in the literature in individuals affected with ANK1-related conditions. This variant is not present in population databases (gnomAD no frequency). This sequence change creates a premature translational stop signal (p.Leu131Thrfs*6) in the ANK1 gene. It is expected to result in an absent or disrupted protein product. Loss-of-function variants in ANK1 are known to be pathogenic (PMID: 8640229).

Molecular Genetics Department, Kulakov National Medical Research Center for Obstetrics, Gynecology and Perinatology
Classification: Pathogenic for Hereditary spherocytosis type 1. Review status: criteria provided, single submitter. Criteria: ACMG Guidelines, 2015. Collection method: clinical testing. Allele origin: germline. Affected: yes. Observed: 1 variant allele.
Comment: A previously undescribed heterozygous nucleotide variant creates a frameshift p.Leu131ThrfsTer6 in the ANK1 gene. Heterozygous variants are reported in patients with spherocytosis, type 1, 182900. The variant is not present in population database (gnomAD no frequency). In summary, this variant has been classified as pathogenic.

Literature cited by the submitters: PubMed 8640229 (cited by Labcorp Genetics (formerly Invitae), Labcorp).

NM_000037.4(ANK1):c.390dup (p.Leu131fs)

Gene: ANK1 (ankyrin 1; minus strand). Cytogenetic location: 8p11.21.
Variant type: Duplication.
Coding change: c.390dup on transcript NM_000037.4 (MANE Select); coding-DNA position 390, one base duplicated (A; older notation c.390dupA).
Protein change: p.Leu131fs; shifts the reading frame from leucine 131.
Molecular consequence: frameshift variant.
Genome position (GRCh38, 1-based): chr8:41,727,286, T duplicated on the plus strand (A on the coding strand, the reverse complement: ANK1 is on the minus strand). VCF-style (leftmost placement, unchanged base first): chr8-41727285-G-GT. GRCh37 (hg19) VCF-style: chr8-41584803-G-GT.
Other names: c.489dup, p.Leu164fs (NM_001142446.2); c.390dup, p.Leu131fs (NM_020475.3, NM_020476.3, NM_020477.3); short protein forms L164fs, L131fs.
Identifiers: ClinVar variation 2112355 (VCV002112355.5), dbSNP rs2486997282, ClinGen allele CA2580078452.
Genomic context (GRCh38, chr8:41,727,285, plus strand): 5'-GACGACATTTTTCCAAGGTACTTACTTCTGTGGCTACATTCTGGTTAGCTCCATTTTCCA[G>GT]TAAAAACTTAACCACTTCCAAGTGGTTCTCTTGTGCTGCCATGTACAGGGGTGTAAAACC-3'